The following is an entry in ClinVar:

ClinVar aggregate classification (germline): Uncertain significance (1 of 4 stars; one submission).

Conditions:
DICER1-related tumor predisposition. Also called: DICER1-related pleuropulmonary blastoma cancer predisposition syndrome; DICER1 syndrome. Identifiers: Orphanet 284343, MedGen C3839822, MONDO:0100216.

Submission:

Labcorp Genetics (formerly Invitae), Labcorp
Classification: Uncertain significance for DICER1-related tumor predisposition. Last evaluated: 2025-07-30. Review status: criteria provided, single submitter. Criteria: Invitae Variant Classification Sherloc (09022015). Collection method: clinical testing. Allele origin: germline.
Comment: This sequence change replaces proline, which is neutral and non-polar, with histidine, which is basic and polar, at codon 556 of the DICER1 protein (p.Pro556His). This variant is not present in population databases (gnomAD no frequency). This variant has not been reported in the literature in individuals affected with DICER1-related conditions. ClinVar contains an entry for this variant (Variation ID: 3010532). Invitae Evidence Modeling of protein sequence and biophysical properties (such as structural, functional, and spatial information, amino acid conservation, physicochemical variation, residue mobility, and thermodynamic stability) indicates that this missense variant is not expected to disrupt DICER1 protein function with a negative predictive value of 95%. In summary, the available evidence is currently insufficient to determine the role of this variant in disease. Therefore, it has been classified as a Variant of Uncertain Significance.

NM_177438.3(DICER1):c.1667C>A (p.Pro556His)

Gene: DICER1 (dicer 1, ribonuclease III; minus strand). Cytogenetic location: 14q32.13.
Variant type: single nucleotide variant.
Coding change: c.1667C>A on transcript NM_177438.3 (MANE Select); coding-DNA position 1667, C replaced by A.
Protein change: p.Pro556His; replaces proline 556 with histidine.
Molecular consequence: missense variant. On other transcripts: 5 prime UTR variant (1), non-coding transcript variant (6).
Genome position (GRCh38, 1-based): chr14:95,116,538, G>T on the plus strand (C>A on the coding strand, the complement: DICER1 is on the minus strand). VCF-style: chr14-95116538-G-T. GRCh37 (hg19) VCF-style: chr14-95582875-G-T.
Other names: c.1667C>A, p.Pro556His (NM_001395682.1, NM_001395683.1, NM_001395684.1 and 13 more transcripts); c.1385C>A, p.Pro462His (NM_001395686.1); c.1262C>A, p.Pro421His (NM_001395687.1, NM_001395688.1, NM_001395689.1 and 3 more transcripts); c.1100C>A, p.Pro367His (NM_001395691.1); c.-17C>A (NM_001395697.1); short protein forms P421H, P367H, P462H, P556H.
Identifiers: ClinVar variation 3010532 (VCV003010532.3), dbSNP rs2140123976, ClinGen allele CA390884840.